The following is an entry in ClinVar:

NM_001077418.3(TMEM231):c.184C>T (p.Arg62Cys)

Gene: TMEM231 (transmembrane protein 231; minus strand). Cytogenetic location: 16q23.1.
Variant type: single nucleotide variant.
Coding change: c.184C>T on transcript NM_001077418.3 (MANE Select); coding-DNA position 184, C replaced by T.
Protein change: p.Arg62Cys; replaces arginine 62 with cysteine.
Molecular consequence: missense variant. On other transcripts: non-coding transcript variant (1).
Genome position (GRCh38, 1-based): chr16:75,555,929, G>A on the plus strand (C>T on the coding strand, the complement: TMEM231 is on the minus strand). VCF-style: chr16-75555929-G-A. GRCh37 (hg19) VCF-style: chr16-75589827-G-A.
Other names: c.271C>T (NM_001077416.1); c.343C>T, p.Arg115Cys (NM_001077416.2); short protein forms R62C, R115C.
Identifiers: ClinVar variation 1361692 (VCV001361692.9), dbSNP rs772102451, ClinGen allele CA8176267.

ClinVar aggregate classification (germline): Uncertain significance. Review status: criteria provided, multiple submitters, no conflicts (2 of 4 stars). 3 submissions from 3 submitters: Uncertain significance (3). Last evaluated 2025-06-17.

Conditions:
Meckel syndrome, type 11 (MKS11). Identifiers: Orphanet 564, MedGen C3809352, MONDO:0014164, OMIM 615397.
Joubert syndrome 20 (JBTS20). Identifiers: Orphanet 475, MedGen C3554235, MONDO:0013994, OMIM 614970.
Inborn genetic diseases. Identifiers: MedGen C0950123, MeSH D030342.

Allele frequency attached by ClinVar (database versions not stated): ExAC 0.00002.
gnomAD v4.1: 17 of 1,604,130 alleles (0.0011%); highest among the groups gnomAD compares: East Asian, 0.0067%; no homozygotes.

Submissions (3):

Ambry Genetics
Classification: Uncertain significance for Inborn genetic diseases. Last evaluated: 2025-06-17. Review status: criteria provided, single submitter. Criteria: Ambry Variant Classification Scheme 2023. Collection method: clinical testing. Allele origin: germline.

Blueprint Genetics
Classification: Uncertain significance. Last evaluated: 2024-06-14. Review status: criteria provided, single submitter. Criteria: ACMG Guidelines, 2015. Collection method: clinical testing. Allele origin: germline.

Labcorp Genetics (formerly Invitae), Labcorp
Classification: Uncertain significance for Joubert syndrome 20; Meckel syndrome, type 11. Last evaluated: 2023-11-06. Review status: criteria provided, single submitter. Criteria: Invitae Variant Classification Sherloc (09022015). Collection method: clinical testing. Allele origin: germline.
Comment: This sequence change replaces arginine, which is basic and polar, with cysteine, which is neutral and slightly polar, at codon 115 of the TMEM231 protein (p.Arg115Cys). This variant is not present in population databases (gnomAD no frequency). This variant has not been reported in the literature in individuals affected with TMEM231-related conditions. ClinVar contains an entry for this variant (Variation ID: 1361692). Experimental studies and prediction algorithms are not available or were not evaluated, and the functional significance of this variant is currently unknown. In summary, the available evidence is currently insufficient to determine the role of this variant in disease. Therefore, it has been classified as a Variant of Uncertain Significance.